The following is an entry in ClinVar:

ClinVar aggregate classification (germline): Benign/Likely benign. Review status: criteria provided, multiple submitters, no conflicts (2 of 4 stars). 8 submissions from 8 submitters: Benign (2); Likely benign (2). 4 of the submissions do not count toward it. Last evaluated 2026-02-01.

Conditions:
SMPD1-related disorder. Also called: SMPD1-related condition.
Niemann-Pick disease, type B. Also called: Chronic Visceral ASMD (Niemann-Pick Disease Type B; NPD-B). Identifiers: Orphanet 77293, MedGen C0268243, MONDO:0011871, OMIM 607616. Disease mechanism: loss of function.
Niemann-Pick disease, type A. Also called: Infantile Neurovisceral ASMD (Niemann-Pick Disease Type A; NPD-A); SPHINGOMYELIN LIPIDOSIS; SPHINGOMYELINASE DEFICIENCY. Identifiers: Orphanet 77292, MedGen C0268242, MONDO:0009756, OMIM 257200. Disease mechanism: loss of function.

Submissions (8):

Labcorp Genetics (formerly Invitae), Labcorp
Classification: Benign for Niemann-Pick disease, type B; Niemann-Pick disease, type A. Last evaluated: 2026-02-01. Review status: criteria provided, single submitter. Criteria: Invitae Variant Classification Sherloc (09022015). Collection method: clinical testing. Allele origin: germline.

CeGaT Center for Human Genetics Tuebingen
Classification: Likely benign. Last evaluated: 2025-05-01. Review status: criteria provided, single submitter. Criteria: CeGaT Center For Human Genetics Tuebingen Variant Classification Criteria Version 2. Collection method: clinical testing. Allele origin: germline. Affected: yes. Observed: 5 variant alleles.
Comment: SMPD1: PM4, BS2

Blueprint Genetics
Classification: Likely benign. Last evaluated: 2024-11-25. Review status: criteria provided, single submitter. Criteria: ACMG Guidelines, 2015. Collection method: clinical testing. Allele origin: germline.

Women's Health and Genetics/Laboratory Corporation of America, LabCorp
Classification: Benign. Last evaluated: 2022-03-08. Review status: criteria provided, single submitter. Criteria: LabCorp Variant Classification Summary - May 2015. Collection method: clinical testing. Allele origin: germline.
Comment: Variant summary: SMPD1 c.107_112delTGCTGG (p.Val36_Leu37del) results in an in-frame deletion that is predicted to remove two amino acids from the encoded protein. The variant allele was found at a frequency of 0.0026 in 232506 control chromosomes, predominantly at a frequency of 0.0038 within the South Asian subpopulation in the gnomAD database, including 1 homozygotes. The observed variant frequency within South Asian control individuals in the gnomAD database is approximately 1.7 fold of the estimated maximal expected allele frequency for a pathogenic variant in SMPD1 causing Niemann-Pick Disease phenotype (0.0022), strongly suggesting that the variant is a benign polymorphism found primarily in populations of South Asian origin. Three clinical diagnostic laboratories have submitted clinical-significance assessments for this variant to ClinVar after 2014 without evidence for independent evaluation. Two classified as benign/likely benign while one classified as VUS. Based on the evidence outlined above, the variant was classified as benign.

PreventionGenetics, part of Exact Sciences
Classification: Likely benign for SMPD1-related condition. Last evaluated: 2021-03-15. Review status: no assertion criteria provided. Collection method: clinical testing. Allele origin: germline. Not counted in ClinVar's aggregate classification.
Comment: This variant is classified as likely benign based on ACMG/AMP sequence variant interpretation guidelines (Richards et al. 2015 PMID: 25741868, with internal and published modifications).

Natera, Inc.
Classification: Likely benign for Niemann-Pick Disease, Types A/B. Last evaluated: 2017-08-10. Review status: no assertion criteria provided. Collection method: clinical testing. Allele origin: germline. Not counted in ClinVar's aggregate classification.

Clinical Genetics DNA and cytogenetics Diagnostics Lab, Erasmus MC, Erasmus Medical Center
Classification: Likely benign. Review status: no assertion criteria provided. Collection method: clinical testing. Allele origin: germline. Affected: yes. Study: VKGL Data-share Consensus. Not counted in ClinVar's aggregate classification.

Diagnostic Laboratory, Department of Genetics, University Medical Center Groningen
Classification: Likely benign. Review status: no assertion criteria provided. Collection method: clinical testing. Allele origin: germline. Affected: yes. Study: VKGL Data-share Consensus. Not counted in ClinVar's aggregate classification.

NM_000543.5(SMPD1):c.107_112del (p.Val36_Leu37del)

Gene: SMPD1 (sphingomyelin phosphodiesterase 1; plus strand). Cytogenetic location: 11p15.4.
Variant type: Deletion.
Coding change: c.107_112del on transcript NM_000543.5 (MANE Select); coding-DNA positions 107 to 112, 6 bases deleted (TGCTGG; older notation c.107_112delTGCTGG).
Protein change: p.Val36_Leu37del.
Molecular consequence: inframe deletion. On other transcripts: 5 prime UTR variant (1), non-coding transcript variant (2).
Genome position (GRCh38, 1-based): chr11:6,390,705-6,390,710, TGCTGG deleted; deleting any 6 consecutive bases within chr11:6,390,701-6,390,710 gives the same sequence; the c. name uses the placement nearest the transcript's 3' end. VCF-style (leftmost placement, unchanged base first): chr11-6390700-CCTGGTG-C. GRCh37 (hg19) VCF-style: chr11-6411930-CCTGGTG-C.
Other names: c.107_112del6 (NM_000543.4); c.107_112del, p.Val36_Leu37del (NM_001007593.3, NM_001318087.2, NM_001365135.2); c.-855_-850del (NM_001318088.2); c.107_112del (NM_000543.4).
Identifiers: ClinVar variation 256590 (VCV000256590.45), dbSNP rs775860642, ClinGen allele CA5852475.